The following is an entry in ClinVar:

ClinVar aggregate classification (germline): Conflicting classifications of pathogenicity. Review status: criteria provided, conflicting classifications (1 of 4 stars). 9 submissions from 9 submitters: Pathogenic (2); Likely pathogenic (6); Uncertain significance (1). Last evaluated 2025-06-13.

Conditions:
DSC2-related disorder. Also called: DSC2-related condition.
Cardiovascular phenotype. Identifiers: MedGen CN230736.
Familial isolated arrhythmogenic right ventricular dysplasia. Identifiers: Orphanet 217656, MedGen C4274968, MONDO:0016342.
Arrhythmogenic right ventricular cardiomyopathy (ARVD). Also called: Arrhythmogenic Right Ventricular Cardiomyopathy (ARVC); Arrhythmogenic right ventricular dysplasia; Arrhythmogenic cardiomyopathy; Cardiomyopathy, ARVC. Identifiers: Orphanet 247, MedGen C0349788, MeSH D019571, MONDO:0016587. Disease mechanism: loss of function. Inheritance: Various modes of inheritance.
Cardiomyopathy (CMYO). Also called: Cardiomyopathies. Identifiers: Orphanet 167848, MedGen C0878544, MONDO:0004994, HP:0001638. Inheritance: Various modes of inheritance.
Arrhythmogenic right ventricular dysplasia 11. Also called: ARRHYTHMOGENIC RIGHT VENTRICULAR DYSPLASIA, FAMILIAL, 11; Arrhythmogenic right ventricular dysplasia 11 with mild palmoplantar keratoderma and woolly hair; Arrhythmogenic Right Ventricular Dysplasia/Cardiomyopathy11. Identifiers: MedGen C1864850, MONDO:0012506, OMIM 610476.

Allele frequency attached by ClinVar (database versions not stated): gnomAD exomes below 0.00001.

Submissions (9):

GeneDx
Classification: Likely pathogenic. Last evaluated: 2025-06-13. Review status: criteria provided, single submitter. Criteria: GeneDx Variant Classification Process June 2021. Collection method: clinical testing. Allele origin: germline. Affected: yes.
Comment: Nonsense variant predicted to result in protein truncation or nonsense mediated decay in a gene for which loss-of-function is a known mechanism of disease; Not observed at significant frequency in large population cohorts (gnomAD); This variant is associated with the following publications: (PMID: 31402444, 23911551, 26743238, 19863551)

Molecular Diagnostic Laboratory for Inherited Cardiovascular Disease, Montreal Heart Institute
Classification: Pathogenic for Cardiovascular phenotype. Last evaluated: 2024-09-26. Review status: criteria provided, single submitter. Criteria: ACMG Guidelines, 2015. Collection method: clinical testing. Allele origin: germline. Affected: yes.
Comment: PVS1, PM2, PS4_supp

Labcorp Genetics (formerly Invitae), Labcorp
Classification: Pathogenic for Arrhythmogenic right ventricular dysplasia 11. Last evaluated: 2024-06-04. Review status: criteria provided, single submitter. Criteria: Invitae Variant Classification Sherloc (09022015). Collection method: clinical testing. Allele origin: germline.
Comment: This sequence change creates a premature translational stop signal (p.Cys32*) in the DSC2 gene. It is expected to result in an absent or disrupted protein product. Loss-of-function variants in DSC2 are known to be pathogenic (PMID: 23911551). This variant is not present in population databases (gnomAD no frequency). This premature translational stop signal has been observed in individual(s) with arrhythmogenic right ventricular cardiomyopathy (PMID: 19863551). ClinVar contains an entry for this variant (Variation ID: 46204). For these reasons, this variant has been classified as Pathogenic.

All of Us Research Program, National Institutes of Health
Classification: Uncertain significance for Familial isolated arrhythmogenic right ventricular dysplasia. Last evaluated: 2023-11-20. Review status: criteria provided, single submitter. Criteria: ACMG Guidelines, 2015. Collection method: clinical testing. Allele origin: germline. Inheritance: Autosomal dominant inheritance. Observed: 3 variant alleles, 3 heterozygotes.
Comment: This variant changes 1 nucleotide in exon 2 of the DSC2 gene, creating a premature translation stop signal. This variant is expected to result in an absent or non-functional protein product. This variant has been reported in an individual affected with arrhythmogenic right ventricular cardiomyopathy/dysplasia who also harbored a different variant of uncertain significance in the same gene (PMID: 19863551), and in an individual suspected to be affected with arrhythmogenic right ventricular cardiomyopathy (PMID: 26743238). This variant has not been identified in the general population by the Genome Aggregation Database (gnomAD). Although there is a suspicion for a pathogenic role, the clinical relevance of loss-of-function DSC2 truncation and splice variants in autosomal dominant arrhythmogenic cardiomyopathy is not yet clearly established. The available evidence is insufficient to determine the role of this variant in disease conclusively. Therefore, this variant is classified as a Variant of Uncertain Significance.

This study involves interpretation of variants in research participants for the purpose of population health screening. Participant phenotype was not available at the time of variant classification. Additional details can be found in publication PMID: 35346344, PMCID: PMC8962531

Ambry Genetics
Classification: Likely pathogenic for Cardiovascular phenotype. Last evaluated: 2023-09-14. Review status: criteria provided, single submitter. Criteria: Ambry General Variant Classification Scheme_2022. Collection method: clinical testing. Allele origin: germline.
Comment: The c.96delC variant, located in coding exon 2 of the DSC2 gene, results from a deletion of one nucleotide at nucleotide position 96, causing a translational frameshift with a predicted alternate stop codon (p.C32*). The predicted stop codon occurs in the 5&rsquo; end of theDSC2 gene. Premature termination codons in the 5&rsquo; end of a gene have been reported to escape nonsense-mediated mRNAdecay and/or lead to re-initiation (Rivas et al. Science. 2015 May 8;348(6235):666-9; Lindeboom et al. Nat Genet. 2016 Oct;48(10):1112-8; Rhee et al. Sci Rep. 2017 May 10;7(1):1653). Direct evidence for this alteration is unavailable, however premature termination codons are typically deleterious in nature. This variant has been detected in individuals from an arrhythmogenic right ventricular cardiomyopathy cohort (Adler A et al. Circ Arrhythm Electrophysiol, 2016 Jan;9:e003440). This variant is considered to be rare based on population cohorts in the Genome Aggregation Database (gnomAD). Based on the majority of available evidence to date, this variant is likely to be pathogenic.

PreventionGenetics, part of Exact Sciences
Classification: Likely pathogenic for DSC2-related condition. Last evaluated: 2023-01-31. Review status: criteria provided, single submitter. Criteria: ACMG Guidelines, 2015. Collection method: clinical testing. Allele origin: germline.
Comment: The DSC2 c.96delC variant is predicted to result in premature protein termination (p.Cys32*). This variant has been reported in individuals with arrhythmogenic right ventricular dysplasia and cardiomyopathy (Barahona-Dussault et al. 2010. PubMed ID: 19863551; Ye et al. 2019. PubMed ID: 31402444). This variant has not been reported in a large population database, indicating this variant is rare. Early termination variants in DSC2 are expected to be pathogenic. This variant is interpreted as likely pathogenic.

AiLife Diagnostics
Classification: Likely pathogenic. Last evaluated: 2021-10-05. Review status: criteria provided, single submitter. Criteria: ACMG Guidelines, 2015. Collection method: clinical testing. Allele origin: germline. Affected: yes. Observed: 1 variant allele.

Laboratory for Molecular Medicine, Mass General Brigham Personalized Medicine
Classification: Likely pathogenic for Arrhythmogenic right ventricular cardiomyopathy. Last evaluated: 2017-05-18. Review status: criteria provided, single submitter. Criteria: LMM Criteria. Collection method: clinical testing. Allele origin: germline. Inheritance: Autosomal dominant inheritance. Observed: 3 variant alleles.
Comment: proposed classification - variant undergoing re-assessment, contact laboratory

CHEO Genetics Diagnostic Laboratory, Children's Hospital of Eastern Ontario
Classification: Likely pathogenic for Cardiomyopathy. Last evaluated: 2017-01-30. Review status: criteria provided, single submitter. Criteria: ACMG Guidelines, 2015. Collection method: clinical testing. Allele origin: germline. Study: Canadian Open Genetics Repository.

Literature cited by the submitters: PubMed 23911551 (cited by Labcorp Genetics (formerly Invitae), Labcorp and Laboratory for Molecular Medicine, Mass General Brigham Personalized Medicine); PubMed 19863551 (cited by 5 submitters); PubMed 26743238 (cited by 3 submitters); PubMed 30665703 (cited by Ambry Genetics); PubMed 31402444 (cited by Ambry Genetics and AiLife Diagnostics).

NM_024422.6(DSC2):c.96del (p.Ala31_Cys32insTer)

Gene: DSC2 (desmocollin 2; minus strand). Cytogenetic location: 18q12.1.
Variant type: Deletion.
Coding change: c.96del on transcript NM_024422.6 (MANE Select); coding-DNA position 96, one base deleted (C; older notation c.96delC).
Protein change: p.Ala31_Cys32insTer.
Molecular consequence: nonsense.
Genome position (GRCh38, 1-based): chr18:31,093,617, G deleted on the plus strand (C on the coding strand, the reverse complement: DSC2 is on the minus strand). VCF-style (leftmost placement, unchanged base first): chr18-31093616-TG-T. GRCh37 (hg19) VCF-style: chr18-28673579-TG-T.
Other names: c.96delC (NM_024422.4); c.96del (NM_024422.4); c.96del, p.Ala31_Cys32insTer (NM_004949.5).
Identifiers: ClinVar variation 46204 (VCV000046204.23), dbSNP rs397517408, ClinGen allele CA022981.
Genomic context (GRCh38, chr18:31,093,616, plus strand): 5'-TACCTCTACCAACAAGTTTCTCGGCATCTAGTTTGGAGGGAACATGTAATGTCACATTTT[TG>T]CAGGCATCACTGGCAAATATTAAGATCTAAAAAATGAAAAAAAATCAAATAAATATTATG-3'